The following is an entry in ClinVar:

ClinVar aggregate classification (germline): Uncertain significance. Review status: criteria provided, multiple submitters, no conflicts (2 of 4 stars). 3 submissions from 3 submitters: Uncertain significance (3). Last evaluated 2025-11-26.

Conditions:
Cardiovascular phenotype. Identifiers: MedGen CN230736.
Noonan syndrome 9 (NS9). Identifiers: Orphanet 648, MedGen C4225282, MONDO:0014691, OMIM 616559.

Allele frequency attached by ClinVar (database versions not stated): gnomAD exomes below 0.00001 and 0.00001; TOPMed 0.00001; ESP Exome Variant Server 0.00008; gnomAD 0.00001; ExAC 0.00002.
gnomAD v4.1: 9 of 1,593,348 alleles (0.00056%); highest among the groups gnomAD compares: South Asian, 0.0011%; no homozygotes.

Submissions (3):

Labcorp Genetics (formerly Invitae), Labcorp
Classification: Uncertain significance for Noonan syndrome 9. Last evaluated: 2025-11-26. Review status: criteria provided, single submitter. Criteria: Invitae Variant Classification Sherloc (09022015). Collection method: clinical testing. Allele origin: germline.
Comment: This sequence change replaces alanine, which is neutral and non-polar, with valine, which is neutral and non-polar, at codon 1119 of the SOS2 protein (p.Ala1119Val). This variant is present in population databases (rs376113934, gnomAD 0.002%). This variant has not been reported in the literature in individuals affected with SOS2-related conditions. ClinVar contains an entry for this variant (Variation ID: 1014207). Invitae Evidence Modeling of protein sequence and biophysical properties (such as structural, functional, and spatial information, amino acid conservation, physicochemical variation, residue mobility, and thermodynamic stability) indicates that this missense variant is not expected to disrupt SOS2 protein function with a negative predictive value of 95%. In summary, the available evidence is currently insufficient to determine the role of this variant in disease. Therefore, it has been classified as a Variant of Uncertain Significance.

Ambry Genetics
Classification: Uncertain significance for Cardiovascular phenotype. Last evaluated: 2025-03-23. Review status: criteria provided, single submitter. Criteria: Ambry Variant Classification Scheme 2023. Collection method: clinical testing. Allele origin: germline.
Comment: The p.A1119V variant (also known as c.3356C>T), located in coding exon 21 of the SOS2 gene, results from a C to T substitution at nucleotide position 3356. The alanine at codon 1119 is replaced by valine, an amino acid with similar properties. This amino acid position is conserved. In addition, the in silico prediction for this alteration is inconclusive. Since supporting evidence is limited at this time, the clinical significance of this alteration remains unclear.

Genome-Nilou Lab
Classification: Uncertain significance for Noonan syndrome 9. Review status: criteria provided, single submitter. Criteria: ACMG Guidelines, 2015. Collection method: clinical testing. Allele origin: germline.

NM_006939.4(SOS2):c.3356C>T (p.Ala1119Val)

Gene: SOS2 (SOS Ras/Rho guanine nucleotide exchange factor 2; minus strand). Cytogenetic location: 14q21.3.
Variant type: single nucleotide variant.
Coding change: c.3356C>T on transcript NM_006939.4 (MANE Select); coding-DNA position 3356, C replaced by T.
Protein change: p.Ala1119Val; replaces alanine 1119 with valine.
Molecular consequence: missense variant.
Genome position (GRCh38, 1-based): chr14:50,129,984, G>A on the plus strand (C>T on the coding strand, the complement: SOS2 is on the minus strand). VCF-style: chr14-50129984-G-A. GRCh37 (hg19) VCF-style: chr14-50596702-G-A.
Other names: short protein forms A1119V.
Identifiers: ClinVar variation 1014207 (VCV001014207.11), dbSNP rs376113934, ClinGen allele CA7176819.